The following is an entry in ClinVar:

NM_001082486.2(ACD):c.556G>C (p.Val186Leu)

Gene: ACD (ACD shelterin complex subunit and telomerase recruitment factor; minus strand). Cytogenetic location: 16q22.1.
Variant type: single nucleotide variant.
Coding change: c.556G>C on transcript NM_001082486.2 (MANE Select); coding-DNA position 556, G replaced by C.
Protein change: p.Val186Leu; replaces valine 186 with leucine.
Molecular consequence: missense variant.
Genome position (GRCh38, 1-based): chr16:67,659,017, C>G on the plus strand (G>C on the coding strand, the complement: ACD is on the minus strand). VCF-style: chr16-67659017-C-G. GRCh37 (hg19) VCF-style: chr16-67692920-C-G.
Other names: c.556G>C, p.Val186Leu (NM_001410884.1); c.547G>C, p.Val183Leu (NM_022914.3); short protein forms V183L, V186L.
Identifiers: ClinVar variation 3232684 (VCV003232684.1), dbSNP rs780989111, ClinGen allele CA396354191.

ClinVar aggregate classification (germline): Uncertain significance (1 of 4 stars; one submission).

Conditions:
Inborn genetic diseases. Identifiers: MedGen C0950123, MeSH D030342.

Submission:

Ambry Genetics
Classification: Uncertain significance for Inborn genetic diseases. Last evaluated: 2023-10-22. Review status: criteria provided, single submitter. Criteria: Ambry Variant Classification Scheme 2023. Collection method: clinical testing. Allele origin: germline.
Comment: The p.V272L variant (also known as c.814G>C), located in coding exon 7 of the ACD gene, results from a G to C substitution at nucleotide position 814. The valine at codon 272 is replaced by leucine, an amino acid with highly similar properties. This amino acid position is conserved. In addition, this alteration is predicted to be tolerated by in silico analysis. Since supporting evidence is limited at this time, the clinical significance of this alteration remains unclear.